The following is an entry in ClinVar:

NM_001386298.1(CIC):c.1668G>A (p.Thr556=)

Gene: CIC (capicua transcriptional repressor; plus strand). Cytogenetic location: 19q13.2.
Variant type: single nucleotide variant.
Coding change: c.1668G>A on transcript NM_001386298.1 (MANE Select); coding-DNA position 1668, G replaced by A.
Protein change: p.Thr556=; no amino-acid change (threonine 556 retained).
Molecular consequence: synonymous variant.
Genome position (GRCh38, 1-based): chr19:42,273,451, G>A. VCF-style: chr19-42273451-G-A. GRCh37 (hg19) VCF-style: chr19-42777603-G-A.
Other names: c.1668G>A, p.Thr556= (NM_001304815.2, NM_001379480.1, NM_001379482.1 and 1 more transcripts).
Identifiers: ClinVar variation 1694923 (VCV001694923.32), dbSNP rs139892484, ClinGen allele CA9471571.

ClinVar aggregate classification (germline): Benign/Likely benign. Review status: criteria provided, multiple submitters, no conflicts (2 of 4 stars). 2 submissions from 2 submitters: Benign (1); Likely benign (1). Last evaluated 2026-09-01.

Allele frequency attached by ClinVar (database versions not stated): gnomAD 0.00673 and 0.00666; TOPMed 0.00740; 1000 Genomes Project 0.00479; 1000 Genomes Project 30x 0.00531.
gnomAD v4.1: 3,128 of 398,520 alleles (0.78%); highest among the groups gnomAD compares: Middle Eastern, 2.1%; 21 homozygotes.

Submissions (2):

CeGaT Center for Human Genetics Tuebingen
Classification: Benign. Last evaluated: 2026-09-01. Review status: criteria provided, single submitter. Criteria: CeGaT Center For Human Genetics Tuebingen Variant Classification Criteria Version 2. Collection method: clinical testing. Allele origin: germline. Affected: yes. Observed: 87 variant alleles.
Comment: CIC: BP4, BP7, BS1, BS2

Blueprint Genetics
Classification: Likely benign. Last evaluated: 2024-11-26. Review status: criteria provided, single submitter. Criteria: ACMG Guidelines, 2015. Collection method: clinical testing. Allele origin: germline.